The following is an entry in ClinVar:

NM_022436.3(ABCG5):c.1255C>G (p.Arg419Gly)

Genes: ABCG5 (ATP binding cassette subfamily G member 5; minus strand), DYNC2LI1 (dynein cytoplasmic 2 light intermediate chain 1; plus strand). Cytogenetic location: 2p21.
Variant type: single nucleotide variant.
Coding change: c.1255C>G on transcript NM_022436.3 (MANE Select); coding-DNA position 1255, C replaced by G.
Protein change: p.Arg419Gly; replaces arginine 419 with glycine.
Molecular consequence: missense variant. On other transcripts: intron variant (2).
Genome position (GRCh38, 1-based): chr2:43,823,982, G>C on the plus strand (C>G on the coding strand, the complement: ABCG5 is on the minus strand). VCF-style: chr2-43823982-G-C. GRCh37 (hg19) VCF-style: chr2-44051121-G-C.
Other names: c.*16-3404G>C (NM_001348913.2, NM_001348912.2); short protein forms R419G.
Identifiers: ClinVar variation 3415175 (VCV003415175.1).
Genomic context (GRCh38, chr2:43,823,982, plus strand): 5'-CAGCGTTCAGCATGCCTGTGTACGGGGTGGCGCCCACAAACTGGTAAAGGAGACCTACGC[G>C]GTCCTGGATAGCACCCTTTAGCACATTGCTTCGGACCCGCAGAACGAAGAAAAGGAGGAA-3'
Protein context (NP_071881.1, residues 409-429): SNVLKGAIQD[Arg419Gly]VGLLYQFVGA

ClinVar aggregate classification (germline): Uncertain significance (1 of 4 stars; one submission).

Conditions:
Cardiovascular phenotype. Identifiers: MedGen CN230736.

gnomAD v4.1: 4 of 1,614,062 alleles (0.00025%); highest among the groups gnomAD compares: African/African-American, 0.0027%; no homozygotes.

Submission:

Ambry Genetics
Classification: Uncertain significance for Cardiovascular phenotype. Last evaluated: 2024-07-11. Review status: criteria provided, single submitter. Criteria: Ambry Variant Classification Scheme 2023. Collection method: clinical testing. Allele origin: germline.
Comment: The p.R419G variant (also known as c.1255C>G), located in coding exon 9 of the ABCG5 gene, results from a C to G substitution at nucleotide position 1255. The arginine at codon 419 is replaced by glycine, an amino acid with dissimilar properties. This amino acid position is conserved. In addition, this alteration is predicted to be deleterious by in silico analysis. Based on the available evidence, the clinical significance of this variant remains unclear.